The following is an entry in ClinVar:

NM_002878.4(RAD51D):c.83-15G>C

Genes: RAD51D (RAD51 paralog D; minus strand), RAD51L3-RFFL (RAD51L3-RFFL readthrough; minus strand). Cytogenetic location: 17q12.
Variant type: single nucleotide variant.
Coding change: c.83-15G>C on transcript NM_002878.4 (MANE Select); 15 bases into the intron before coding-DNA position 83, G replaced by C.
Molecular consequence: intron variant.
Genome position (GRCh38, 1-based): chr17:35,119,187, C>G on the plus strand (G>C on the coding strand, the complement: RAD51D is on the minus strand). VCF-style: chr17-35119187-C-G. GRCh37 (hg19) VCF-style: chr17-33446206-C-G.
Other names: c.83-15G>C (NM_133629.3, NM_001142571.2).
Identifiers: ClinVar variation 927773 (VCV000927773.11), dbSNP rs778766755, ClinGen allele CA1139665487.

ClinVar aggregate classification (germline): Likely benign. Review status: criteria provided, multiple submitters, no conflicts (2 of 4 stars). 3 submissions from 3 submitters: Likely benign (3). Last evaluated 2025-02-20.

Conditions:
Hereditary cancer-predisposing syndrome. Also called: Neoplastic Syndromes, Hereditary; Hereditary Cancer Syndrome; Tumor predisposition; Hereditary neoplastic syndrome. Identifiers: Orphanet 140162, MedGen C0027672, MeSH D009386, MONDO:0015356.
Breast-ovarian cancer, familial, susceptibility to, 4. Identifiers: Orphanet 145, MedGen C3280345, MONDO:0013669, OMIM 614291.

Submissions (3):

Myriad Genetics, Inc.
Classification: Likely benign for Breast-ovarian cancer, familial, susceptibility to, 4. Last evaluated: 2025-02-20. Review status: criteria provided, single submitter. Criteria: Myriad Autosomal Dominant, Autosomal Recessive and X-Linked Classification Criteria (2023). Collection method: clinical testing. Allele origin: unknown.
Comment: This variant is considered likely benign. This variant is intronic and is not expected to impact mRNA splicing.

Labcorp Genetics (formerly Invitae), Labcorp
Classification: Likely benign for Breast-ovarian cancer, familial, susceptibility to, 4. Last evaluated: 2022-03-10. Review status: criteria provided, single submitter. Criteria: Invitae Variant Classification Sherloc (09022015). Collection method: clinical testing. Allele origin: germline.

Color Diagnostics, LLC DBA Color Health
Classification: Likely benign for Hereditary cancer-predisposing syndrome. Last evaluated: 2019-07-18. Review status: criteria provided, single submitter. Criteria: ACMG Guidelines, 2015. Collection method: clinical testing. Allele origin: germline.